The following is an entry in ClinVar:

ClinVar aggregate classification (germline): Uncertain significance (1 of 4 stars; one submission).

gnomAD v4.1: 1 of 1,485,330 alleles (0.000067%); highest among the groups gnomAD compares: African/African-American, 0.0015%; no homozygotes.

Submission:

Labcorp Genetics (formerly Invitae), Labcorp
Classification: Uncertain significance. Last evaluated: 2021-11-17. Review status: criteria provided, single submitter. Criteria: Invitae Variant Classification Sherloc (09022015). Collection method: clinical testing. Allele origin: germline.
Comment: This sequence change replaces proline, which is neutral and non-polar, with arginine, which is basic and polar, at codon 7 of the EIF2AK3 protein (p.Pro7Arg). This variant is not present in population databases (gnomAD no frequency). This variant has not been reported in the literature in individuals affected with EIF2AK3-related conditions. Algorithms developed to predict the effect of missense changes on protein structure and function output the following: SIFT: "Tolerated"; PolyPhen-2: "Not Available"; Align-GVGD: "Class C0". The arginine amino acid residue is found in multiple mammalian species, which suggests that this missense change does not adversely affect protein function. In summary, the available evidence is currently insufficient to determine the role of this variant in disease. Therefore, it has been classified as a Variant of Uncertain Significance.

NM_004836.7(EIF2AK3):c.20C>G (p.Pro7Arg)

Gene: EIF2AK3 (eukaryotic translation initiation factor 2 alpha kinase 3; minus strand). Cytogenetic location: 2p11.2.
Variant type: single nucleotide variant.
Coding change: c.20C>G on transcript NM_004836.7 (MANE Select); coding-DNA position 20, C replaced by G.
Protein change: p.Pro7Arg; replaces proline 7 with arginine.
Molecular consequence: missense variant.
Genome position (GRCh38, 1-based): chr2:88,627,255, G>C on the plus strand (C>G on the coding strand, the complement: EIF2AK3 is on the minus strand). VCF-style: chr2-88627255-G-C. GRCh37 (hg19) VCF-style: chr2-88926773-G-C.
Other names: short protein forms P7R.
Identifiers: ClinVar variation 1379677 (VCV001379677.3), dbSNP rs1038519173, ClinGen allele CA51963773.
Genomic context (GRCh38, chr2:88,627,255, plus strand): 5'-GTCCTTGCCGCGAGCCCCAGCAGCAGCAGCAGCAGCAGCAGCGCCCGTACCAGCAGCCCC[G>C]GGCTGATGGCGCGCTCCATCAGCGTCCCGCCCCGCGCGCAGGCATGGAGGCGCAGCCACT-3'
Protein context (NP_004827.4, residues 1-17): MERAIS[Pro7Arg]GLLVRALLLL